The following is an entry in ClinVar:

NM_001042492.3(NF1):c.6705-6T>G

Gene: NF1 (neurofibromin 1; plus strand). Cytogenetic location: 17q11.2.
Variant type: single nucleotide variant.
Coding change: c.6705-6T>G on transcript NM_001042492.3 (MANE Select); 6 bases into the intron before coding-DNA position 6705, T replaced by G.
Molecular consequence: intron variant.
Genome position (GRCh38, 1-based): chr17:31,338,019, T>G. VCF-style: chr17-31338019-T-G. GRCh37 (hg19) VCF-style: chr17-29665037-T-G.
Other names: c.6642-6T>G (NM_000267.4).
Identifiers: ClinVar variation 816736 (VCV000816736.6), dbSNP rs1597844950, ClinGen allele CA915949955.
Genomic context (GRCh38, chr17:31,338,019, plus strand): 5'-TAATTTATTATTTAGTATATATAAACACAAAGGTTTTTATAAGTTCTGTGGATCTTTTAA[T>G]TGCAGATTTGCATTCCAATATAATCCATCCCTGCAACCAAGAGCTCTTGTTGTCTTTGGG-3'

ClinVar aggregate classification (germline): Pathogenic. Review status: criteria provided, multiple submitters, no conflicts (2 of 4 stars). 2 submissions from 2 submitters: Pathogenic (2). Last evaluated 2024-02-24.

Conditions:
Neurofibromatosis, type 1 (NF1). Also called: Peripheral type neurofibromatosis; Neurofibromatosis, type I; NEUROFIBROMATOSIS, TYPE I, SOMATIC; VON RECKLINGHAUSEN DISEASE. Identifiers: Orphanet 636, MedGen C0027831, MONDO:0018975, OMIM 162200. Disease mechanism: loss of function.

Submissions (2):

Labcorp Genetics (formerly Invitae), Labcorp
Classification: Pathogenic for Neurofibromatosis, type 1. Last evaluated: 2024-02-24. Review status: criteria provided, single submitter. Criteria: Invitae Variant Classification Sherloc (09022015). Collection method: clinical testing. Allele origin: germline.
Comment: This sequence change falls in intron 43 of the NF1 gene. It does not directly change the encoded amino acid sequence of the NF1 protein. RNA analysis indicates that this variant induces altered splicing and may result in an absent or disrupted protein product. This variant is not present in population databases (gnomAD no frequency). This variant has been observed in individual(s) with neurofibromatosis type 1 (PMID: 32126153). ClinVar contains an entry for this variant (Variation ID: 816736). Studies have shown that this variant results in skipping of exon 44 and introduces a premature termination codon (PMID: 32126153; Invitae). The resulting mRNA is expected to undergo nonsense-mediated decay. For these reasons, this variant has been classified as Pathogenic.

UAB Medical Genomics Laboratory, UAB Medicine
Classification: Pathogenic for Neurofibromatosis, type 1. Last evaluated: 2020-01-20. Review status: criteria provided, single submitter. Criteria: ACMG Guidelines, 2015. Collection method: clinical testing. Allele origin: germline. Affected: yes.

Literature cited by the submitters: PubMed 32126153 (cited by Labcorp Genetics (formerly Invitae), Labcorp and UAB Medical Genomics Laboratory, UAB Medicine).